The following is an entry in ClinVar:

ClinVar aggregate classification (germline): Likely benign. Review status: criteria provided, multiple submitters, no conflicts (2 of 4 stars). 2 submissions from 2 submitters: Likely benign (2). Last evaluated 2023-11-21.

Conditions:
Bethlem myopathy 1A. Also called: Bethlem myopathy 1; Bethlem Muscular Dystrophy; MYOPATHY, BENIGN CONGENITAL, WITH CONTRACTURES. Identifiers: Orphanet 610, MedGen CN029274, MONDO:0024530, OMIM 158810.

Allele frequency attached by ClinVar (database versions not stated): TOPMed below 0.00001; gnomAD 0.00001; ExAC 0.00002; gnomAD exomes 0.00002.
gnomAD v4.1: 26 of 1,613,710 alleles (0.0016%); highest among the groups gnomAD compares: Middle Eastern, 0.016%; no homozygotes.

Submissions (2):

Labcorp Genetics (formerly Invitae), Labcorp
Classification: Likely benign for Bethlem myopathy 1A. Last evaluated: 2023-11-21. Review status: criteria provided, single submitter. Criteria: Invitae Variant Classification Sherloc (09022015). Collection method: clinical testing. Allele origin: germline.

CeGaT Center for Human Genetics Tuebingen
Classification: Likely benign. Last evaluated: 2023-02-01. Review status: criteria provided, single submitter. Criteria: CeGaT Center For Human Genetics Tuebingen Variant Classification Criteria Version 2. Collection method: clinical testing. Allele origin: germline. Affected: yes. Observed: 1 variant allele.
Comment: COL6A3: BP4, BP7

NM_004369.4(COL6A3):c.6291G>T (p.Arg2097=)

Genes: COL6A3 (collagen type VI alpha 3 chain; minus strand), LOC122889011 (Sharpr-MPRA regulatory region 1020; plus strand). Cytogenetic location: 2q37.3.
Variant type: single nucleotide variant.
Coding change: c.6291G>T on transcript NM_004369.4 (MANE Select); coding-DNA position 6291, G replaced by T.
Protein change: p.Arg2097=; no amino-acid change (arginine 2097 retained).
Molecular consequence: synonymous variant.
Genome position (GRCh38, 1-based): chr2:237,359,380, C>A on the plus strand (G>T on the coding strand, the complement: COL6A3 is on the minus strand). VCF-style: chr2-237359380-C-A. GRCh37 (hg19) VCF-style: chr2-238268023-C-A.
Other names: c.4470G>T, p.Arg1490= (NM_057166.5); c.5673G>T, p.Arg1891= (NM_057167.4).
Identifiers: ClinVar variation 1563120 (VCV001563120.32), dbSNP rs761280470, ClinGen allele CA2188354.
Genomic context (GRCh38, chr2:237,359,380, plus strand): 5'-GGGAGAGTTTTCCATTTGTAAAACAAAACCAAGCTTGCATACCTTCTCTCCTGGGAATCC[C>A]CGAGAGCCCTAGAAGGCAAGGCGATAGGGGAAGCATTAGCTTTTCCTGCAGGGCTGGTCC-3'
Protein context (NP_004360.2, residues 2087-2107): CPGQRGVKGS[Arg2097=]GFPGEKGEVG